The following is an entry in ClinVar:

ClinVar aggregate classification (germline): Benign/Likely benign. Review status: criteria provided, multiple submitters, no conflicts (2 of 4 stars). 6 submissions from 6 submitters: Benign (2); Likely benign (4). Last evaluated 2026-02-02.

Conditions:
Hypophosphatasia. Also called: Phosphoethanol-aminuria. Identifiers: Orphanet 436, MedGen C0020630, MeSH D007014, MONDO:0018570.

Allele frequency attached by ClinVar (database versions not stated): gnomAD exomes 0.00023; TOPMed 0.00052; 1000 Genomes Project 30x 0.00156; 1000 Genomes Project 0.00180.
gnomAD v4.1: 382 of 1,614,080 alleles (0.024%); highest among the groups gnomAD compares: East Asian, 0.58%; 2 homozygotes.

Submissions (6):

Labcorp Genetics (formerly Invitae), Labcorp
Classification: Benign. Last evaluated: 2026-02-02. Review status: criteria provided, single submitter. Criteria: Invitae Variant Classification Sherloc (09022015). Collection method: clinical testing. Allele origin: germline.

Women's Health and Genetics/Laboratory Corporation of America, LabCorp
Classification: Likely benign. Last evaluated: 2025-10-08. Review status: criteria provided, single submitter. Criteria: LabCorp Variant Classification Summary - May 2015. Collection method: clinical testing. Allele origin: germline.

Genomenon, Inc
Classification: Likely benign for Hypophosphatasia. Last evaluated: 2025-08-29. Review status: criteria provided, single submitter. Criteria: Genomenon Sequence Variant Interpretation Standards. Collection method: curation. Allele origin: germline. Affected: no.
Comment: ALPL c.534C>T is a synonymous variant that retains Tyrosine at residue 178. This variant has not been reported in patients affected with hypophosphatasia in the published literature. This variant’s allele frequency in gnomAD is greater than expected for this disorder. In conclusion, we classify ALPL c.534C>T as a likely benign variant.

Blueprint Genetics
Classification: Likely benign. Last evaluated: 2024-09-17. Review status: criteria provided, single submitter. Criteria: ACMG Guidelines, 2015. Collection method: clinical testing. Allele origin: germline.

ARUP Laboratories, Molecular Genetics and Genomics, ARUP Laboratories
Classification: Likely benign. Last evaluated: 2018-03-04. Review status: criteria provided, single submitter. Criteria: ARUP Molecular Germline Variant Investigation Process. Collection method: clinical testing. Allele origin: germline.
Comment: The c.534C>T; p.Tyr178Tyr variant (rs201250289) does not alter the amino acid sequence of the ALPL protein and computational splice site prediction algorithms do not predict a change in the nearest splice site or creation of a cryptic splice site. This variant has not been reported in medical literature or in gene specific variation databases. This variant is listed in the genome Aggregation Database (gnomAD) with an East Asian population frequency of 0.47% (identified on 88 out of 18,866 chromosomes, including one homozygote), and is classified as likely benign in ClinVar (ID: 295544). Based on the available information, the c.534C>T variant is likely to be benign.

Illumina Laboratory Services, Illumina
Classification: Benign for Hypophosphatasia. Last evaluated: 2018-01-13. Review status: criteria provided, single submitter. Criteria: ICSL Variant Classification Criteria 13 December 2019. Collection method: clinical testing. Allele origin: germline.
Comment: This variant was observed in the ICSL laboratory as part of a predisposition screen in an ostensibly healthy population. It had not been previously curated by ICSL or reported in the Human Gene Mutation Database (HGMD: prior to June 1st, 2018), and was therefore a candidate for classification through an automated scoring system. Utilizing variant allele frequency, disease prevalence and penetrance estimates, and inheritance mode, an automated score was calculated to assess if this variant is too frequent to cause the disease. Based on the score and internal cut-off values, a variant classified as benign is not then subjected to further curation. The score for this variant resulted in a classification of benign for this disease.

NM_000478.6(ALPL):c.534C>T (p.Tyr178=)

Gene: ALPL (alkaline phosphatase, biomineralization associated; plus strand). Cytogenetic location: 1p36.12.
Variant type: single nucleotide variant.
Coding change: c.534C>T on transcript NM_000478.6 (MANE Select); coding-DNA position 534, C replaced by T.
Protein change: p.Tyr178=; no amino-acid change (tyrosine 178 retained).
Molecular consequence: synonymous variant.
Genome position (GRCh38, 1-based): chr1:21,564,102, C>T. VCF-style: chr1-21564102-C-T. GRCh37 (hg19) VCF-style: chr1-21890595-C-T.
Other names: c.369C>T, p.Tyr123= (NM_001127501.4); c.303C>T, p.Tyr101= (NM_001177520.3); c.534C>T, p.Tyr178= (NM_001369803.2, NM_001369804.2, NM_001369805.2).
Identifiers: ClinVar variation 295544 (VCV000295544.25), dbSNP rs201250289, ClinGen allele CA666523.